The following is an entry in ClinVar:

NM_018896.5(CACNA1G):c.1640C>A (p.Pro547His)

Gene: CACNA1G (calcium voltage-gated channel subunit alpha1 G; plus strand). Cytogenetic location: 17q21.33.
Variant type: single nucleotide variant.
Coding change: c.1640C>A on transcript NM_018896.5 (MANE Select); coding-DNA position 1640, C replaced by A.
Protein change: p.Pro547His; replaces proline 547 with histidine.
Molecular consequence: missense variant. On other transcripts: non-coding transcript variant (5).
Genome position (GRCh38, 1-based): chr17:50,576,042, C>A. VCF-style: chr17-50576042-C-A. GRCh37 (hg19) VCF-style: chr17-48653403-C-A.
Other names: c.1640C>A, p.Pro547His (NM_001256324.2, NM_001256325.2, NM_001256326.2 and 24 more transcripts); short protein forms P547H.
Identifiers: ClinVar variation 3377978 (VCV003377978.1).

ClinVar aggregate classification (germline): Uncertain significance (1 of 4 stars; one submission).

gnomAD v4.1: 1 of 1,573,928 alleles (0.000064%); highest among the groups gnomAD compares: Non-Finnish European, 0.000086%; no homozygotes.

Submission:

GeneDx
Classification: Uncertain significance. Last evaluated: 2024-05-17. Review status: criteria provided, single submitter. Criteria: GeneDx Variant Classification Process June 2021. Collection method: clinical testing. Allele origin: germline. Affected: yes.
Comment: Not observed at significant frequency in large population cohorts (gnomAD); In silico analysis indicates that this missense variant does not alter protein structure/function; Has not been previously published as pathogenic or benign to our knowledge